The following is an entry in ClinVar:

ClinVar aggregate classification (germline): Uncertain significance. Review status: criteria provided, multiple submitters, no conflicts (2 of 4 stars). 3 submissions from 3 submitters: Uncertain significance (3). Last evaluated 2025-10-23.

Conditions:
Hajdu-Cheney syndrome (HJCYS). Also called: SERPENTINE FIBULA-POLYCYSTIC KIDNEY SYNDROME; Acroosteolysis dominant type; ACROOSTEOLYSIS WITH OSTEOPOROSIS AND CHANGES IN SKULL AND MANDIBLE. Identifiers: Orphanet 955, MedGen C0917715, MONDO:0007057, OMIM 102500.
Alagille syndrome due to a NOTCH2 point mutation. Also called: Alagille syndrome 2. Identifiers: Orphanet 261629, Orphanet 52, MedGen C1857761, MONDO:0012439, OMIM 610205.

Submissions (3):

Labcorp Genetics (formerly Invitae), Labcorp
Classification: Uncertain significance for Hajdu-Cheney syndrome. Last evaluated: 2025-10-23. Review status: criteria provided, single submitter. Criteria: Invitae Variant Classification Sherloc (09022015). Collection method: clinical testing. Allele origin: germline.
Comment: This sequence change replaces proline, which is neutral and non-polar, with arginine, which is basic and polar, at codon 2402 of the NOTCH2 protein (p.Pro2402Arg). This variant is not present in population databases (gnomAD no frequency). This variant has not been reported in the literature in individuals affected with NOTCH2-related conditions. ClinVar contains an entry for this variant (Variation ID: 2662993). Invitae Evidence Modeling of protein sequence and biophysical properties (such as structural, functional, and spatial information, amino acid conservation, physicochemical variation, residue mobility, and thermodynamic stability) indicates that this missense variant is not expected to disrupt NOTCH2 protein function with a negative predictive value of 80%. In summary, the available evidence is currently insufficient to determine the role of this variant in disease. Therefore, it has been classified as a Variant of Uncertain Significance.

Fulgent Genetics
Classification: Uncertain significance for Hajdu-Cheney syndrome; Alagille syndrome due to a NOTCH2 point mutation. Last evaluated: 2024-03-16. Review status: criteria provided, single submitter. Criteria: ACMG Guidelines, 2015. Collection method: clinical testing. Allele origin: germline.

GeneDx
Classification: Uncertain significance. Last evaluated: 2023-04-17. Review status: criteria provided, single submitter. Criteria: GeneDx Variant Classification Process June 2021. Collection method: clinical testing. Allele origin: germline. Affected: yes.
Comment: Not observed at significant frequency in large population cohorts (gnomAD); In silico analysis supports that this missense variant has a deleterious effect on protein structure/function; Has not been previously published as pathogenic or benign to our knowledge

NM_024408.4(NOTCH2):c.7205C>G (p.Pro2402Arg)

Gene: NOTCH2 (notch receptor 2; minus strand). Cytogenetic location: 1p12.
Variant type: single nucleotide variant.
Coding change: c.7205C>G on transcript NM_024408.4 (MANE Select); coding-DNA position 7205, C replaced by G.
Protein change: p.Pro2402Arg; replaces proline 2402 with arginine.
Molecular consequence: missense variant.
Genome position (GRCh38, 1-based): chr1:119,915,517, G>C on the plus strand (C>G on the coding strand, the complement: NOTCH2 is on the minus strand). VCF-style: chr1-119915517-G-C. GRCh37 (hg19) VCF-style: chr1-120458140-G-C.
Other names: short protein forms P2402R.
Identifiers: ClinVar variation 2662993 (VCV002662993.3), dbSNP rs2101141522, ClinGen allele CA341872734.